The following is an entry in ClinVar:

NM_001849.4(COL6A2):c.790C>T (p.Arg264Cys)

Gene: COL6A2 (collagen type VI alpha 2 chain; plus strand). Cytogenetic location: 21q22.3.
Variant type: single nucleotide variant.
Coding change: c.790C>T on transcript NM_001849.4 (MANE Select); coding-DNA position 790, C replaced by T.
Protein change: p.Arg264Cys; replaces arginine 264 with cysteine.
Molecular consequence: missense variant.
Genome position (GRCh38, 1-based): chr21:46,114,062, C>T. VCF-style: chr21-46114062-C-T. GRCh37 (hg19) VCF-style: chr21-47533976-C-T.
Other names: c.790C>T, p.Arg264Cys (NM_058174.3, NM_058175.3); short protein forms R264C.
Identifiers: ClinVar variation 476492 (VCV000476492.15), dbSNP rs760263812, ClinGen allele CA10071455.

ClinVar aggregate classification (germline): Uncertain significance. Review status: criteria provided, multiple submitters, no conflicts (2 of 4 stars). 4 submissions from 4 submitters: Uncertain significance (4). Last evaluated 2025-04-24.

Conditions:
Bethlem myopathy 1A. Also called: Bethlem Muscular Dystrophy; MYOPATHY, BENIGN CONGENITAL, WITH CONTRACTURES; Bethlem myopathy 1. Identifiers: Orphanet 610, MedGen CN029274, MONDO:0024530, OMIM 158810.

Allele frequency attached by ClinVar (database versions not stated): ExAC 0.00001; TOPMed 0.00001; gnomAD exomes 0.00002.
gnomAD v4.1: 16 of 1,613,472 alleles (0.00099%); highest among the groups gnomAD compares: Admixed American, 0.0017%; no homozygotes.

Submissions (4):

Labcorp Genetics (formerly Invitae), Labcorp
Classification: Uncertain significance for Bethlem myopathy 1A. Last evaluated: 2025-04-24. Review status: criteria provided, single submitter. Criteria: Invitae Variant Classification Sherloc (09022015). Collection method: clinical testing. Allele origin: germline.
Comment: This sequence change replaces arginine, which is basic and polar, with cysteine, which is neutral and slightly polar, at codon 264 of the COL6A2 protein (p.Arg264Cys). This variant is present in population databases (rs760263812, gnomAD 0.006%). This variant has not been reported in the literature in individuals affected with COL6A2-related conditions. ClinVar contains an entry for this variant (Variation ID: 476492). Invitae Evidence Modeling of protein sequence and biophysical properties (such as structural, functional, and spatial information, amino acid conservation, physicochemical variation, residue mobility, and thermodynamic stability) indicates that this missense variant is expected to disrupt COL6A2 protein function with a positive predictive value of 80%. In summary, the available evidence is currently insufficient to determine the role of this variant in disease. Therefore, it has been classified as a Variant of Uncertain Significance.

Neuberg Centre For Genomic Medicine, NCGM
Classification: Uncertain significance for Bethlem myopathy 1A. Last evaluated: 2023-06-22. Review status: criteria provided, single submitter. Criteria: ACMG Guidelines, 2015. Collection method: clinical testing. Allele origin: germline. Inheritance: Autosomal recessive inheritance. Affected: yes.
Comment: The missense variant c.790C>T (p.Arg264Cys) in the COL6A2 gene has not been reported previously as a pathogenic variant nor as a benign variant, to our knowledge. This variant is reported with the allele frequency (0.001%) in the gnomAD Exomes. This variant has been reported to the ClinVar database as Uncertain Significance. However, no details are available for independent assessment. The amino acid Arg at position 264 is changed to a Cys changing protein sequence and it might alter its composition and physico-chemical properties. Multiple lines of computational evidence (Polyphen - Damaging, SIFT - Damaging and MutationTaster - Disease causing) predict a damaging effect on protein structure and function for this variant. The amino acid change p.Arg264Cys in COL6A2 is predicted as conserved by GERP++ and PhyloP across 100 vertebrates. For these reasons, this variant has been classified as Uncertain Significance.

Revvity Omics, Revvity
Classification: Uncertain significance. Last evaluated: 2022-06-21. Review status: criteria provided, single submitter. Criteria: ACMG Guidelines, 2015. Collection method: clinical testing. Allele origin: germline.

Eurofins Ntd Llc (ga)
Classification: Uncertain significance. Last evaluated: 2016-10-17. Review status: criteria provided, single submitter. Criteria: EGL Classification Definitions 2015. Collection method: clinical testing. Allele origin: germline. Observed: 1 variant allele, 1 heterozygote.